The following is an entry in ClinVar:

ClinVar aggregate classification (germline): Uncertain significance (1 of 4 stars; one submission).

Submission:

Labcorp Genetics (formerly Invitae), Labcorp
Classification: Uncertain significance. Last evaluated: 2025-12-20. Review status: criteria provided, single submitter. Criteria: Invitae Variant Classification Sherloc (09022015). Collection method: clinical testing. Allele origin: germline.
Comment: This sequence change replaces glycine, which is neutral and non-polar, with alanine, which is neutral and non-polar, at codon 273 of the POGLUT1 protein (p.Gly273Ala). This variant is not present in population databases (gnomAD no frequency). This variant has not been reported in the literature in individuals affected with POGLUT1-related conditions. Invitae Evidence Modeling of protein sequence and biophysical properties (such as structural, functional, and spatial information, amino acid conservation, physicochemical variation, residue mobility, and thermodynamic stability) indicates that this missense variant is expected to disrupt POGLUT1 protein function with a positive predictive value of 80%. In summary, the available evidence is currently insufficient to determine the role of this variant in disease. Therefore, it has been classified as a Variant of Uncertain Significance.

NM_152305.3(POGLUT1):c.818G>C (p.Gly273Ala)

Gene: POGLUT1 (protein O-glucosyltransferase 1; plus strand). Cytogenetic location: 3q13.33.
Variant type: single nucleotide variant.
Coding change: c.818G>C on transcript NM_152305.3 (MANE Select); coding-DNA position 818, G replaced by C.
Protein change: p.Gly273Ala; replaces glycine 273 with alanine.
Molecular consequence: missense variant. On other transcripts: non-coding transcript variant (1).
Genome position (GRCh38, 1-based): chr3:119,490,571, G>C. VCF-style: chr3-119490571-G-C. GRCh37 (hg19) VCF-style: chr3-119209418-G-C.
Other names: short protein forms G273A.
Identifiers: ClinVar variation 4743619 (VCV004743619.1).